The following is an entry in ClinVar:

ClinVar aggregate classification (germline): Uncertain significance (0 of 4 stars; one submission).

Conditions:
Prostate cancer. Also called: Malignant tumor of prostate. Identifiers: Orphanet 1331, MedGen C0376358, MONDO:0008315, HP:0012125.

Allele frequency attached by ClinVar (database versions not stated): gnomAD 0.00003.
gnomAD v4.1: 6 of 1,614,032 alleles (0.00037%); highest among the groups gnomAD compares: African/African-American, 0.0027%; no homozygotes.

Submission:

Science for Life laboratory,  Karolinska Institutet
Classification: Uncertain significance for Malignant tumor of prostate. Review status: no assertion criteria provided. Collection method: not provided. Allele origin: somatic.
Comment: TumorID:SWE-92C
ClinVar note: Converted during submission from Unknown to Uncertain significance.

NM_207361.6(FREM2):c.3497G>A (p.Arg1166His)

Gene: FREM2 (FRAS1 related extracellular matrix 2; plus strand). Cytogenetic location: 13q13.3.
Variant type: single nucleotide variant.
Coding change: c.3497G>A on transcript NM_207361.6 (MANE Select); coding-DNA position 3497, G replaced by A.
Protein change: p.Arg1166His; replaces arginine 1166 with histidine.
Molecular consequence: missense variant.
Genome position (GRCh38, 1-based): chr13:38,690,841, G>A. VCF-style: chr13-38690841-G-A. GRCh37 (hg19) VCF-style: chr13-39264978-G-A.
Other names: short protein forms R1166H.
Identifiers: ClinVar variation 161860 (VCV000161860.2), dbSNP rs193921142, ClinGen allele CA174924.